The following is an entry in ClinVar:

NM_001792.5(CDH2):c.1408T>A (p.Leu470Ile)

Gene: CDH2 (cadherin 2; minus strand). Cytogenetic location: 18q12.1.
Variant type: single nucleotide variant.
Coding change: c.1408T>A on transcript NM_001792.5 (MANE Select); coding-DNA position 1408, T replaced by A.
Protein change: p.Leu470Ile; replaces leucine 470 with isoleucine.
Molecular consequence: missense variant.
Genome position (GRCh38, 1-based): chr18:27,990,287, A>T on the plus strand (T>A on the coding strand, the complement: CDH2 is on the minus strand). VCF-style: chr18-27990287-A-T. GRCh37 (hg19) VCF-style: chr18-25570251-A-T.
Other names: c.1315T>A, p.Leu439Ile (NM_001308176.2); short protein forms L470I, L439I.
Identifiers: ClinVar variation 2821690 (VCV002821690.3), dbSNP rs2510797065, ClinGen allele CA402109294.

ClinVar aggregate classification (germline): Uncertain significance (1 of 4 stars; one submission).

Submission:

Labcorp Genetics (formerly Invitae), Labcorp
Classification: Uncertain significance. Last evaluated: 2022-12-17. Review status: criteria provided, single submitter. Criteria: Invitae Variant Classification Sherloc (09022015). Collection method: clinical testing. Allele origin: germline.
Comment: Algorithms developed to predict the effect of missense changes on protein structure and function are either unavailable or do not agree on the potential impact of this missense change (SIFT: "Deleterious"; PolyPhen-2: "Probably Damaging"; Align-GVGD: "Class C0"). This sequence change replaces leucine, which is neutral and non-polar, with isoleucine, which is neutral and non-polar, at codon 470 of the CDH2 protein (p.Leu470Ile). This variant is not present in population databases (gnomAD no frequency). This variant has not been reported in the literature in individuals affected with CDH2-related conditions. In summary, the available evidence is currently insufficient to determine the role of this variant in disease. Therefore, it has been classified as a Variant of Uncertain Significance.